The following is an entry in ClinVar:

NM_004006.3(DMD):c.8333G>A (p.Arg2778His)

Gene: DMD (dystrophin; minus strand). Cytogenetic location: Xp21.1.
Variant type: single nucleotide variant.
Coding change: c.8333G>A on transcript NM_004006.3 (MANE Select); coding-DNA position 8333, G replaced by A.
Protein change: p.Arg2778His; replaces arginine 2778 with histidine.
Molecular consequence: missense variant.
Genome position (GRCh38, 1-based): chrX:31,507,338, C>T on the plus strand (G>A on the coding strand, the complement: DMD is on the minus strand). VCF-style: chrX-31507338-C-T. GRCh37 (hg19) VCF-style: chrX-31525455-C-T.
Other names: c.8309G>A, p.Arg2770His (NM_000109.4); c.8321G>A, p.Arg2774His (NM_004009.3); c.7964G>A, p.Arg2655His (NM_004010.3); c.4310G>A, p.Arg1437His (NM_004011.4); c.4301G>A, p.Arg1434His (NM_004012.4); c.953G>A, p.Arg318His (NM_004013.3, NM_004020.4, NM_004021.3 and 2 more transcripts); c.146G>A, p.Arg49His (NM_004014.3); short protein forms R2774H, R318H, R1437H, R49H, R2655H, R2778H, R1434H, R2770H.
Identifiers: ClinVar variation 961743 (VCV000961743.11), dbSNP rs2071050854, ClinGen allele CA412656196.

ClinVar aggregate classification (germline): Uncertain significance. Review status: criteria provided, multiple submitters, no conflicts (2 of 4 stars). 4 submissions from 4 submitters: Uncertain significance (3). 1 of the submissions does not count toward it. Last evaluated 2025-09-20.

Conditions:
Duchenne muscular dystrophy (DMD). Also called: MUSCULAR DYSTROPHY, PSEUDOHYPERTROPHIC PROGRESSIVE, DUCHENNE TYPE; Duchenne Muscular Dystrophy (DMD). Identifiers: Orphanet 98896, MedGen C0013264, MONDO:0010679, OMIM 310200.
Dystrophin deficiency.
Becker muscular dystrophy (BMD). Also called: MUSCULAR DYSTROPHY, PSEUDOHYPERTROPHIC PROGRESSIVE, BECKER TYPE; Becker Muscular Dystrophy (BMD). Identifiers: Orphanet 98895, MedGen C0917713, MONDO:0010311, OMIM 300376.
Cardiomyopathy (CMYO). Also called: Cardiomyopathies. Identifiers: Orphanet 167848, MedGen C0878544, MONDO:0004994, HP:0001638. Inheritance: Various modes of inheritance.

Allele frequency attached by ClinVar (database versions not stated): gnomAD exomes 0.00001; TOPMed 0.00001.
gnomAD v4.1: 8 of 1,211,626 alleles (0.00066%); highest among the groups gnomAD compares: East Asian, 0.003%; no homozygotes.

Submissions (4):

Labcorp Genetics (formerly Invitae), Labcorp
Classification: Uncertain significance for Duchenne muscular dystrophy. Last evaluated: 2025-09-20. Review status: criteria provided, single submitter. Criteria: Invitae Variant Classification Sherloc (09022015). Collection method: clinical testing. Allele origin: germline.
Comment: This sequence change replaces arginine, which is basic and polar, with histidine, which is basic and polar, at codon 2778 of the DMD protein (p.Arg2778His). This variant is not present in population databases (gnomAD no frequency). This missense change has been observed in individual(s) with clinical features of Becker muscular dystrophy (PMID: 26934379). ClinVar contains an entry for this variant (Variation ID: 961743). Invitae Evidence Modeling of protein sequence and biophysical properties (such as structural, functional, and spatial information, amino acid conservation, physicochemical variation, residue mobility, and thermodynamic stability) indicates that this missense variant is not expected to disrupt DMD protein function with a negative predictive value of 95%. In summary, the available evidence is currently insufficient to determine the role of this variant in disease. Therefore, it has been classified as a Variant of Uncertain Significance.

Women's Health and Genetics/Laboratory Corporation of America, LabCorp
Classification: Uncertain significance. Last evaluated: 2022-07-22. Review status: criteria provided, single submitter. Criteria: LabCorp Variant Classification Summary - May 2015. Collection method: clinical testing. Allele origin: germline.
Comment: Variant summary: DMD c.8333G>A (p.Arg2778His) results in a non-conservative amino acid change located in the Central rod domain: Repeat 22 (DOVE database) of the encoded protein sequence. Three of five in-silico tools predict a damaging effect of the variant on protein function. The variant was absent in 183412 control chromosomes (gnomAD). The available data on variant occurrences in the general population are insufficient to allow any conclusion about variant significance. c.8333G>A has been reported in the literature in two affected male individuals from a family with features that resembled milder phenotypes of LGMD or BMD (Reddy_2016). This report does not provide unequivocal conclusions about association of the variant with Dystrophinopathies. To our knowledge, no experimental evidence demonstrating an impact on protein function has been reported. Three ClinVar submitters (evaluation after 2014) cite the variant as uncertain significance. Based on the evidence outlined above, the variant was classified as uncertain significance.

GeneDx
Classification: Uncertain significance. Last evaluated: 2019-10-21. Review status: criteria provided, single submitter. Criteria: GeneDx Variant Classification Process June 2021. Collection method: clinical testing. Allele origin: germline. Affected: yes.
Comment: Not observed in large population cohorts (Lek et al., 2016); In silico analysis, which includes protein predictors and evolutionary conservation, supports a deleterious effect; This variant is associated with the following publications: (PMID: 26934379)

Natera, Inc.
Classification: Uncertain significance for Becker muscular dystrophy; Cardiomyopathy; Duchenne muscular dystrophy; Dystrophin deficiency. Last evaluated: 2020-06-05. Review status: no assertion criteria provided. Collection method: clinical testing. Allele origin: germline. Not counted in ClinVar's aggregate classification.

Literature cited by the submitters: PubMed 26934379 (cited by Labcorp Genetics (formerly Invitae), Labcorp and Women's Health and Genetics/Laboratory Corporation of America, LabCorp).